The following is an entry in ClinVar:

NM_024577.4(SH3TC2):c.2818C>T (p.Leu940Phe)

Gene: SH3TC2 (SH3 domain and tetratricopeptide repeats 2; minus strand). Cytogenetic location: 5q32.
Variant type: single nucleotide variant.
Coding change: c.2818C>T on transcript NM_024577.4 (MANE Select); coding-DNA position 2818, C replaced by T.
Protein change: p.Leu940Phe; replaces leucine 940 with phenylalanine.
Molecular consequence: missense variant.
Genome position (GRCh38, 1-based): chr5:149,026,914, G>A on the plus strand (C>T on the coding strand, the complement: SH3TC2 is on the minus strand). VCF-style: chr5-149026914-G-A. GRCh37 (hg19) VCF-style: chr5-148406477-G-A.
Other names: short protein forms L940F.
Identifiers: ClinVar variation 1503869 (VCV001503869.4), dbSNP rs1380115510, ClinGen allele CA361665562.
Genomic context (GRCh38, chr5:149,026,914, plus strand): 5'-ACTTACTCTTTAGATGTCGATGCCTTAAGCCAAACAGCAATGCCATTTCATAACAAAGAA[G>A]GCCATGGGTCAGCTGGTGTCCAGACACCAGAACTTGGGCCAACCAGAGAAACACCTGTAC-3'
Protein context (NP_078853.2, residues 930-950): LVSGHQLTHG[Leu940Phe]LCYEMALLFG

ClinVar aggregate classification (germline): Uncertain significance. Review status: criteria provided, multiple submitters, no conflicts (2 of 4 stars). 2 submissions from 2 submitters: Uncertain significance (2). Last evaluated 2026-03-16.

Conditions:
Charcot-Marie-Tooth disease type 4. Also called: Charcot-Marie-Tooth disease, type IV; Charcot-Marie-Tooth, Type 4. Identifiers: Orphanet 64749, MedGen C4082197, MONDO:0018995.

Allele frequency attached by ClinVar (database versions not stated): gnomAD exomes below 0.00001.
gnomAD v4.1: 1 of 1,614,186 alleles (0.000062%); highest among the groups gnomAD compares: Non-Finnish European, 0.000085%; no homozygotes.

Submissions (2):

Women's Health and Genetics/Laboratory Corporation of America, LabCorp
Classification: Uncertain significance. Last evaluated: 2026-03-16. Review status: criteria provided, single submitter. Criteria: LabCorp Variant Classification Summary - May 2015. Collection method: clinical testing. Allele origin: germline.
Comment: Variant summary: SH3TC2 c.2818C>T (p.Leu940Phe) results in a non-conservative amino acid change in the encoded protein sequence. Algorithms developed to predict the effect of missense changes on protein structure and function are either unavailable or do not agree on the potential impact of this missense change. The frequency data for this variant in gnomAD is considered unreliable, as metrics indicate poor data quality at this position. To our knowledge, no occurrence of c.2818C>T in individuals affected with SH3TC2-related conditions and no experimental evidence demonstrating its impact on protein function have been reported. ClinVar contains an entry for this variant (Variation ID: 1503869). Based on the evidence outlined above, the variant was classified as uncertain significance.

Labcorp Genetics (formerly Invitae), Labcorp
Classification: Uncertain significance for Charcot-Marie-Tooth disease type 4. Last evaluated: 2021-08-27. Review status: criteria provided, single submitter. Criteria: Invitae Variant Classification Sherloc (09022015). Collection method: clinical testing. Allele origin: germline.
Comment: This sequence change replaces leucine with phenylalanine at codon 940 of the SH3TC2 protein (p.Leu940Phe). The leucine residue is weakly conserved and there is a small physicochemical difference between leucine and phenylalanine. This variant is not present in population databases (ExAC no frequency). This variant has not been reported in the literature in individuals affected with SH3TC2-related conditions. Advanced modeling of protein sequence and biophysical properties (such as structural, functional, and spatial information, amino acid conservation, physicochemical variation, residue mobility, and thermodynamic stability) performed at Invitae indicates that this missense variant is not expected to disrupt SH3TC2 protein function. In summary, the available evidence is currently insufficient to determine the role of this variant in disease. Therefore, it has been classified as a Variant of Uncertain Significance.